The following is an entry in ClinVar:

NM_177550.5(SLC13A5):c.931C>T (p.Pro311Ser)

Gene: SLC13A5 (solute carrier family 13 member 5; minus strand). Cytogenetic location: 17p13.1.
Variant type: single nucleotide variant.
Coding change: c.931C>T on transcript NM_177550.5 (MANE Select); coding-DNA position 931, C replaced by T.
Protein change: p.Pro311Ser; replaces proline 311 with serine.
Molecular consequence: missense variant.
Genome position (GRCh38, 1-based): chr17:6,695,850, G>A on the plus strand (C>T on the coding strand, the complement: SLC13A5 is on the minus strand). VCF-style: chr17-6695850-G-A. GRCh37 (hg19) VCF-style: chr17-6599169-G-A.
Other names: c.931C>T, p.Pro311Ser (NM_001143838.3); c.880C>T, p.Pro294Ser (NM_001284509.2); c.802C>T, p.Pro268Ser (NM_001284510.2); short protein forms P268S, P294S, P311S.
Identifiers: ClinVar variation 837641 (VCV000837641.7), dbSNP rs201678684, ClinGen allele CA8331568.

ClinVar aggregate classification (germline): Uncertain significance. Review status: criteria provided, multiple submitters, no conflicts (2 of 4 stars). 2 submissions from 2 submitters: Uncertain significance (2). Last evaluated 2022-10-26.

Conditions:
Developmental and epileptic encephalopathy, 25 (DEE25). Also called: Epileptic encephalopathy, early infantile, 25; Developmental and epileptic encephalopathy 25, with amelogenesis imperfecta; Epileptic encephalopathy, early infantile, 25, with amelogenesis imperfecta. Identifiers: Orphanet 442835, MedGen C4014621, MONDO:0014392, OMIM 615905.
Inborn genetic diseases. Identifiers: MedGen C0950123, MeSH D030342.

Allele frequency attached by ClinVar (database versions not stated): gnomAD exomes 0.00002 and 0.00008; TOPMed 0.00006; ExAC 0.00008; 1000 Genomes Project 30x 0.00016; 1000 Genomes Project 0.00020.

Submissions (2):

Labcorp Genetics (formerly Invitae), Labcorp
Classification: Uncertain significance for Developmental and epileptic encephalopathy, 25. Last evaluated: 2022-10-26. Review status: criteria provided, single submitter. Criteria: Invitae Variant Classification Sherloc (09022015). Collection method: clinical testing. Allele origin: germline.
Comment: This sequence change replaces proline, which is neutral and non-polar, with serine, which is neutral and polar, at codon 311 of the SLC13A5 protein (p.Pro311Ser). This variant is present in population databases (rs201678684, gnomAD 0.06%). This variant has not been reported in the literature in individuals affected with SLC13A5-related conditions. ClinVar contains an entry for this variant (Variation ID: 837641). Advanced modeling of protein sequence and biophysical properties (such as structural, functional, and spatial information, amino acid conservation, physicochemical variation, residue mobility, and thermodynamic stability) performed at Invitae indicates that this missense variant is not expected to disrupt SLC13A5 protein function. In summary, the available evidence is currently insufficient to determine the role of this variant in disease. Therefore, it has been classified as a Variant of Uncertain Significance.

Ambry Genetics
Classification: Uncertain significance for Inborn genetic diseases. Last evaluated: 2017-06-13. Review status: criteria provided, single submitter. Criteria: Ambry Variant Classification Scheme 2023. Collection method: clinical testing. Allele origin: germline.
Comment: The p.P311S variant (also known as c.931C>T), located in coding exon 7 of the SLC13A5 gene, results from a C to T substitution at nucleotide position 931. The proline at codon 311 is replaced by serine, an amino acid with similar properties. This amino acid position is well conserved in available vertebrate species; however, serine is the reference amino acid in other vertebrate species. In addition, this alteration is predicted to be tolerated by in silico analysis. Since supporting evidence is limited at this time, the clinical significance of this alteration remains unclear.